The following is an entry in ClinVar:

ClinVar aggregate classification (germline): Uncertain significance. Review status: criteria provided, single submitter (1 of 4 stars). 2 submissions from 2 submitters: Uncertain significance (1). 1 of the submissions does not count toward it. Last evaluated 2023-10-05.

Conditions:
Immunodeficiency 14 (IMD14A). Also called: ACTIVATED PI3K-DELTA SYNDROME 1; IMMUNODEFICIENCY 14A WITH LYMPHOPROLIFERATION, AUTOSOMAL DOMINANT; Activated PI3K Delta Syndrome Type 1 (APDS1); p110-DELTA-ACTIVATING MUTATION CAUSING SENESCENT T CELLS, LYMPHADENOPATHY, AND IMMUNODEFICIENCY. Identifiers: Orphanet 397596, Orphanet 693661, MedGen C5907821, MONDO:0014222, OMIM 615513.
Activated PI3K-delta syndrome. Identifiers: Orphanet 397596, MedGen C3714976, MONDO:0018338.

Allele frequency attached by ClinVar (database versions not stated): gnomAD exomes below 0.00001; TOPMed below 0.00001.
gnomAD v4.1: 3 of 1,613,846 alleles (0.00019%); highest among the groups gnomAD compares: South Asian, 0.0011%; no homozygotes.

Submissions (2):

Labcorp Genetics (formerly Invitae), Labcorp
Classification: Uncertain significance for Activated PI3K-delta syndrome. Last evaluated: 2023-10-05. Review status: criteria provided, single submitter. Criteria: Invitae Variant Classification Sherloc (09022015). Collection method: clinical testing. Allele origin: germline.
Comment: This sequence change replaces asparagine, which is neutral and polar, with serine, which is neutral and polar, at codon 74 of the PIK3CD protein (p.Asn74Ser). This variant is not present in population databases (gnomAD no frequency). This variant has not been reported in the literature in individuals affected with PIK3CD-related conditions. ClinVar contains an entry for this variant (Variation ID: 963563). Advanced modeling of protein sequence and biophysical properties (such as structural, functional, and spatial information, amino acid conservation, physicochemical variation, residue mobility, and thermodynamic stability) performed at Invitae indicates that this missense variant is not expected to disrupt PIK3CD protein function. Algorithms developed to predict the effect of sequence changes on RNA splicing suggest that this variant may disrupt the consensus splice site. In summary, the available evidence is currently insufficient to determine the role of this variant in disease. Therefore, it has been classified as a Variant of Uncertain Significance.

Rarefied Biosciences Lab
Classification: Likely benign for Activated PI3K-delta syndrome. Review status: no assertion criteria provided. Collection method: research. Allele origin: germline, not applicable. Affected: yes. Functional consequence: gain_of_function_variant. Not counted in ClinVar's aggregate classification.
Comment: The PIK3CD c.221A>G (p.Asn74Ser) variant results in a missense substitution of asparagine to serine at codon 74. This residue is not located within a known functional domain of the PIK3CD protein, and the amino acid change is conservative in nature. Functional immunophenotyping showed transitional B cells at 3.6% and T follicular helper (TFH) cells at 12.6%, both of which fall within normal control ranges and do not indicate immune dysregulation. Furthermore, PI3K pathway activity was preserved, as there was no increase in phosphorylated Akt (pAkt) under stimulated or unstimulated conditions, and no evidence of mTOR pathway activation. Computational predictions support a benign classification: REVEL score of 0.268 (Benign Moderate), AlphaMissense score of 0.08109 (Benign Strong), and SIFT score of 0.162 (Benign Moderate). In the absence of functional abnormalities, immune dysregulation, or disease association, and supported by multiple benign computational predictions, the PIK3CD c.221A>G (p.Asn74Ser) variant is best classified as Likely Benign

Literature cited by the submitters: PubMed 31031754 (cited by Rarefied Biosciences Lab).

NM_005026.5(PIK3CD):c.221A>G (p.Asn74Ser)

Gene: PIK3CD (phosphatidylinositol-4,5-bisphosphate 3-kinase catalytic subunit delta; plus strand). Cytogenetic location: 1p36.22.
Variant type: single nucleotide variant.
Coding change: c.221A>G on transcript NM_005026.5 (MANE Select); coding-DNA position 221, A replaced by G.
Protein change: p.Asn74Ser; replaces asparagine 74 with serine.
Molecular consequence: missense variant.
Genome position (GRCh38, 1-based): chr1:9,715,620, A>G. VCF-style: chr1-9715620-A-G. GRCh37 (hg19) VCF-style: chr1-9775678-A-G.
Other names: c.221A>G, p.Asn74Ser (NM_001350234.2, NM_001350235.1); short protein forms N74S.
Identifiers: ClinVar variation 963563 (VCV000963563.11), dbSNP rs1043386158, ClinGen allele CA17773325.
Genomic context (GRCh38, chr1:9,715,620, plus strand): 5'-AGTATGAGCCGCTCTTCCACATGCTCAGTGGCCCCGAGGCCTATGTGTTCACCTGCATCA[A>G]CCAGACAGCGGAGCAGCAAGAGCTGGAGGACGAGCAACGGCGTCTGTGTGACGTGCAGCC-3'
Protein context (NP_005017.3, residues 64-84): GPEAYVFTCI[Asn74Ser]QTAEQQELED